The following is an entry in ClinVar:

ClinVar aggregate classification (germline): Pathogenic. Review status: criteria provided, multiple submitters, no conflicts (2 of 4 stars). 2 submissions from 2 submitters: Pathogenic (2). Last evaluated 2018-04-02.

Conditions:
Long QT syndrome (LQTS). Identifiers: MedGen C0023976, MeSH D008133, MONDO:0002442. Disease mechanism: loss of function. Inheritance: Various modes of inheritance.

Submissions (2):

GeneDx
Classification: Pathogenic. Last evaluated: 2018-04-02. Review status: criteria provided, single submitter. Criteria: GeneDx Variant Classification (06012015). Collection method: clinical testing. Allele origin: germline. Affected: yes.
Comment: The K32X variant in the KCNQ1 gene has been reported previously in an individual with long QT syndrome (Chae et al., 2017). This variant is predicted to cause loss of normal protein function either through protein truncation or nonsense-mediated mRNA decay. The K32X variant is not observed in large population cohorts (Lek et al., 2016). We interpret K32X as a pathogenic variant.

Labcorp Genetics (formerly Invitae), Labcorp
Classification: Pathogenic for Long QT syndrome. Last evaluated: 2017-08-17. Review status: criteria provided, single submitter. Criteria: Invitae Variant Classification Sherloc (09022015). Collection method: clinical testing. Allele origin: germline.
Comment: For these reasons, this variant has been classified as Pathogenic. Loss-of-function variants in KCNQ1 are known to be pathogenic (PMID: 9323054, 19862833). This variant has not been reported in the literature in individuals with KCNQ1-related disease. While this variant is not present in population databases, the frequency information is unreliable, as metrics indicate poor data quality at this position in the ExAC database. This sequence change creates a premature translational stop signal (p.Lys32*) in the KCNQ1 gene. It is expected to result in an absent or disrupted protein product.

Literature cited by the submitters: PubMed 9323054 (cited by Labcorp Genetics (formerly Invitae), Labcorp); PubMed 19862833 (cited by Labcorp Genetics (formerly Invitae), Labcorp).

NM_000218.3(KCNQ1):c.94A>T (p.Lys32Ter)

Gene: KCNQ1 (potassium voltage-gated channel subfamily Q member 1; plus strand). Cytogenetic location: 11p15.5.
Variant type: single nucleotide variant.
Coding change: c.94A>T on transcript NM_000218.3 (MANE Select); coding-DNA position 94, A replaced by T.
Protein change: p.Lys32Ter; replaces lysine 32 with a stop codon.
Molecular consequence: nonsense.
Genome position (GRCh38, 1-based): chr11:2,445,192, A>T. VCF-style: chr11-2445192-A-T. GRCh37 (hg19) VCF-style: chr11-2466422-A-T.
Other names: short protein forms K32*.
Identifiers: ClinVar variation 523769 (VCV000523769.8), dbSNP rs1554958043, ClinGen allele CA379116142.
Genomic context (GRCh38, chr11:2,445,192, plus strand): 5'-AGGAAGCGCTGGGGTTGGGGCCGCCTGCCAGGCGCCCGGCGGGGCAGCGCGGGCCTGGCC[A>T]AGAAGTGCCCCTTCTCGCTGGAGCTGGCGGAGGGCGGCCCGGCGGGCGGCGCGCTCTACG-3'